The following is an entry in ClinVar:

ClinVar aggregate classification (germline): Likely benign. Review status: criteria provided, multiple submitters, no conflicts (2 of 4 stars). 5 submissions from 5 submitters: Likely benign (5). Last evaluated 2025-05-22.

Conditions:
COL4A1-related disorder. Also called: COL4A1-related disorders; COL4A1-related condition. Identifiers: MedGen CN376119, MONDO:0800461.
Retinal arterial tortuosity. Also called: RETINAL HEMORRHAGE WITH VASCULAR TORTUOSITY; Retinal arteries, tortuosity of. Identifiers: Orphanet 75326, MedGen C0423401, MONDO:0008373, OMIM 180000, HP:0000631.
Microangiopathy and leukoencephalopathy, pontine, autosomal dominant. Also called: Pontine autosomal dominant microangiopathy with leukoencephalopathy; DEMENTIA, HEREDITARY MULTI-INFARCT, SWEDISH TYPE. Identifiers: Orphanet 477749, MedGen C5231411, MONDO:0032814, OMIM 618564.
Hemorrhage, intracerebral, susceptibility to (ICH). Also called: Stroke, hemorrhagic, susceptibility to. Identifiers: MedGen C3281105, MONDO:0100533, OMIM 614519.
Brain small vessel disease 1 with or without ocular anomalies (BSVD1). Also called: Brain small vessel disease with or without ocular anomalies; GOULD SYNDROME 1; PORENCEPHALY, TYPE 1, AUTOSOMAL DOMINANT; BRAIN SMALL VESSEL DISEASE WITH HEMORRHAGE. Identifiers: Orphanet 2940, Orphanet 36383, Orphanet 99810, MedGen C4755307, MONDO:0008289, OMIM 175780.
Autosomal dominant familial hematuria-retinal arteriolar tortuosity-contractures syndrome. Also called: Angiopathy, hereditary, with nephropathy, aneurysms, and muscle cramps; Hereditary Angiopathy with Nephropathy, Aneurysms, and Muscle Cramps (HANAC) Syndrome. Identifiers: Orphanet 73229, MedGen C2673195, MONDO:0012726, OMIM 611773.

Allele frequency attached by ClinVar (database versions not stated): gnomAD exomes 0.00006; ExAC 0.00007; TOPMed 0.00009; gnomAD 0.00011 and 0.00012.
gnomAD v4.1: 51 of 1,613,992 alleles (0.0032%); highest among the groups gnomAD compares: African/African-American, 0.027%; no homozygotes.

Submissions (5):

Labcorp Genetics (formerly Invitae), Labcorp
Classification: Likely benign. Last evaluated: 2025-05-22. Review status: criteria provided, single submitter. Criteria: Invitae Variant Classification Sherloc (09022015). Collection method: clinical testing. Allele origin: germline.

PreventionGenetics, part of Exact Sciences
Classification: Likely benign for COL4A1-related condition. Last evaluated: 2025-04-29. Review status: criteria provided, single submitter. Criteria: ACMG Guidelines, 2015. Collection method: clinical testing. Allele origin: germline.
Comment: This variant is classified as likely benign based on ACMG/AMP sequence variant interpretation guidelines (Richards et al. 2015 PMID: 25741868, with internal and published modifications).

Blueprint Genetics
Classification: Likely benign. Last evaluated: 2023-12-05. Review status: criteria provided, single submitter. Criteria: ACMG Guidelines, 2015. Collection method: clinical testing. Allele origin: germline.

Fulgent Genetics
Classification: Likely benign for Brain small vessel disease 1 with or without ocular anomalies; Retinal arterial tortuosity; Autosomal dominant familial hematuria-retinal arteriolar tortuosity-contractures syndrome; Hemorrhage, intracerebral, susceptibility to; Microangiopathy and leukoencephalopathy, pontine, autosomal dominant. Last evaluated: 2021-10-29. Review status: criteria provided, single submitter. Criteria: ACMG Guidelines, 2015. Collection method: clinical testing. Allele origin: unknown.

CeGaT Center for Human Genetics Tuebingen
Classification: Likely benign. Last evaluated: 2020-02-01. Review status: criteria provided, single submitter. Criteria: CeGaT Center For Human Genetics Tuebingen Variant Classification Criteria Version 2. Collection method: clinical testing. Allele origin: germline. Affected: yes. Observed: 1 variant allele.

NM_001845.6(COL4A1):c.606C>T (p.Thr202=)

Gene: COL4A1 (collagen type IV alpha 1 chain; minus strand). Cytogenetic location: 13q34.
Variant type: single nucleotide variant.
Coding change: c.606C>T on transcript NM_001845.6 (MANE Select); coding-DNA position 606, C replaced by T.
Protein change: p.Thr202=; no amino-acid change (threonine 202 retained).
Molecular consequence: synonymous variant.
Genome position (GRCh38, 1-based): chr13:110,209,989, G>A on the plus strand (C>T on the coding strand, the complement: COL4A1 is on the minus strand). VCF-style: chr13-110209989-G-A. GRCh37 (hg19) VCF-style: chr13-110862336-G-A.
Other names: c.606C>T, p.Thr202= (NM_001303110.2); c.606C>T (NM_001845.5).
Identifiers: ClinVar variation 916411 (VCV000916411.48), dbSNP rs754333091, ClinGen allele CA7048439.
Genomic context (GRCh38, chr13:110,209,989, plus strand): 5'-TATAGTTGTTTTTTAAATGATTGCCTCGGAGAGACAGCCCCCAAAACTTACTGGTGGTCC[G>A]GTAAATCCTGGAGGCCCAACAGGACCTTGAAGCCCTGGCAGTCCTGGTGGGCCCTAGAAT-3'
Protein context (NP_001836.3, residues 192-212): LQGPVGPPGF[Thr202=]GPPGPPGPPG